The following is an entry in ClinVar:

ClinVar aggregate classification (germline): Uncertain significance (1 of 4 stars; one submission).

Conditions:
Spermatogenic failure 18. Identifiers: MedGen C4539783, MONDO:0054615, OMIM 617576.
Ciliary dyskinesia, primary, 37 (CILD37). Also called: CILIARY DYSKINESIA, PRIMARY, 37, WITH OR WITHOUT SITUS INVERSUS. Identifiers: MedGen C4539798, MONDO:0033204, OMIM 617577.

gnomAD v4.1: 29 of 1,593,840 alleles (0.0018%); highest among the groups gnomAD compares: South Asian, 0.027%; no homozygotes.

Submission:

Labcorp Genetics (formerly Invitae), Labcorp
Classification: Uncertain significance for Ciliary dyskinesia, primary, 37; Spermatogenic failure 18. Last evaluated: 2018-03-07. Review status: criteria provided, single submitter. Criteria: Invitae Variant Classification Sherloc (09022015). Collection method: clinical testing. Allele origin: germline.
Comment: Algorithms developed to predict the effect of sequence changes on RNA splicing suggest that this variant may create or strengthen a splice site, but this prediction has not been confirmed by published transcriptional studies. In summary, the available evidence is currently insufficient to determine the role of this variant in disease. Therefore, it has been classified as a Variant of Uncertain Significance. This variant has not been reported in the literature in individuals with DNAH1-related disease. This variant is not present in population databases (ExAC no frequency). This sequence change affects codon 136 of the DNAH1 mRNA. It is a 'silent' change, meaning that it does not change the encoded amino acid sequence of the DNAH1 protein.

NM_015512.5(DNAH1):c.408C>A (p.Val136=)

Gene: DNAH1 (dynein axonemal heavy chain 1; plus strand). Cytogenetic location: 3p21.1.
Variant type: single nucleotide variant.
Coding change: c.408C>A on transcript NM_015512.5 (MANE Select); coding-DNA position 408, C replaced by A.
Protein change: p.Val136=; no amino-acid change (valine 136 retained).
Molecular consequence: synonymous variant.
Genome position (GRCh38, 1-based): chr3:52,326,141, C>A. VCF-style: chr3-52326141-C-A. GRCh37 (hg19) VCF-style: chr3-52360157-C-A.
Identifiers: ClinVar variation 581135 (VCV000581135.6), dbSNP rs368577542, ClinGen allele CA74753025.